The following is an entry in ClinVar:

NM_005422.4(TECTA):c.2378A>G (p.Gln793Arg)

Genes: TBCEL-TECTA (TBCEL-TECTA readthrough; plus strand), TECTA (tectorin alpha; plus strand), LOC126861365 (P300/CBP strongly-dependent group 1 enhancer GRCh37_chr11:121000154-121001353; plus strand). Cytogenetic location: 11q23.3.
Variant type: single nucleotide variant.
Coding change: c.2378A>G on transcript NM_005422.4 (MANE Select); coding-DNA position 2378, A replaced by G.
Protein change: p.Gln793Arg; replaces glutamine 793 with arginine.
Molecular consequence: missense variant.
Genome position (GRCh38, 1-based): chr11:121,129,648, A>G. VCF-style: chr11-121129648-A-G. GRCh37 (hg19) VCF-style: chr11-121000357-A-G.
Other names: c.3335A>G, p.Gln1112Arg (NM_001378761.1); short protein forms Q793R, Q1112R.
Identifiers: ClinVar variation 165355 (VCV000165355.5), dbSNP rs727503459, ClinGen allele CA178093.

ClinVar aggregate classification (germline): Uncertain significance (1 of 4 stars; one submission).

Submission:

Laboratory for Molecular Medicine, Mass General Brigham Personalized Medicine
Classification: Uncertain significance. Last evaluated: 2014-08-13. Review status: criteria provided, single submitter. Criteria: LMM Criteria. Collection method: clinical testing. Allele origin: germline. Observed: 1 variant allele.
Comment: The Gln793Arg variant in TECTA has not been previously reported in individuals w ith hearing loss or in large population studies. The glutamine (Gln) at position 793 is not conserved in evolutionarily distant species and one mammal (naked mo le rat) carries an arginine (Arg) at this position, raising the possibility that this change may be tolerated. Additional computational prediction tools suggest that this variant may not impact the protein, though this information is not pr edictive enough to rule out pathogenicity. In summary, while the clinical signif icance of the Gln793Arg variant is uncertain, the conservation data suggest that it is more likely to be benign.